The following is an entry in ClinVar:

NM_001130009.3(GEN1):c.101G>T (p.Trp34Leu)

Gene: GEN1 (GEN1 Holliday junction 5' flap endonuclease; plus strand). Cytogenetic location: 2p24.2.
Variant type: single nucleotide variant.
Coding change: c.101G>T on transcript NM_001130009.3 (MANE Select); coding-DNA position 101, G replaced by T.
Protein change: p.Trp34Leu; replaces tryptophan 34 with leucine.
Molecular consequence: missense variant.
Genome position (GRCh38, 1-based): chr2:17,760,044, G>T. VCF-style: chr2-17760044-G-T. GRCh37 (hg19) VCF-style: chr2-17941311-G-T.
Other names: c.101G>T, p.Trp34Leu (NM_182625.5); short protein forms W34L.
Identifiers: ClinVar variation 3853600 (VCV003853600.1).

ClinVar aggregate classification (germline): Uncertain significance (1 of 4 stars; one submission).

Submission:

Ambry Genetics
Classification: Uncertain significance. Last evaluated: 2025-02-27. Review status: criteria provided, single submitter. Criteria: Ambry Variant Classification Scheme 2023. Collection method: clinical testing. Allele origin: germline.
Comment: The p.W34L variant (also known as c.101G>T), located in coding exon 1 of the GEN1 gene, results from a G to T substitution at nucleotide position 101. The tryptophan at codon 34 is replaced by leucine, an amino acid with similar properties. This amino acid position is conserved. In addition, this alteration is predicted to be deleterious by in silico analysis. Based on the available evidence, the clinical significance of this variant remains unclear.